The following is an entry in ClinVar:

ClinVar aggregate classification (germline): Uncertain significance (1 of 4 stars; one submission).

Conditions:
Familial focal epilepsy with variable foci (FPEVF). Identifiers: Orphanet 98820, MedGen C1858477, MONDO:0020310.

gnomAD v4.1: 5 of 1,613,342 alleles (0.00031%); highest among the groups gnomAD compares: East Asian, 0.0022%; no homozygotes.

Submission:

Labcorp Genetics (formerly Invitae), Labcorp
Classification: Uncertain significance for Familial focal epilepsy with variable foci. Last evaluated: 2025-09-28. Review status: criteria provided, single submitter. Criteria: Invitae Variant Classification Sherloc (09022015). Collection method: clinical testing. Allele origin: germline.
Comment: This sequence change replaces alanine, which is neutral and non-polar, with serine, which is neutral and polar, at codon 1287 of the DEPDC5 protein (p.Ala1287Ser). This variant is not present in population databases (gnomAD no frequency). This variant has not been reported in the literature in individuals affected with DEPDC5-related conditions. ClinVar contains an entry for this variant (Variation ID: 575149). Experimental studies and prediction algorithms are not available or were not evaluated, and the functional significance of this variant is currently unknown. In summary, the available evidence is currently insufficient to determine the role of this variant in disease. Therefore, it has been classified as a Variant of Uncertain Significance.

NM_001242896.3(DEPDC5):c.3859G>T (p.Ala1287Ser)

Gene: DEPDC5 (DEP domain containing 5, GATOR1 subcomplex subunit; plus strand). Cytogenetic location: 22q12.3.
Variant type: single nucleotide variant.
Coding change: c.3859G>T on transcript NM_001242896.3 (MANE Select); coding-DNA position 3859, G replaced by T.
Protein change: p.Ala1287Ser; replaces alanine 1287 with serine.
Molecular consequence: missense variant. On other transcripts: non-coding transcript variant (5).
Genome position (GRCh38, 1-based): chr22:31,879,578, G>T. VCF-style: chr22-31879578-G-T. GRCh37 (hg19) VCF-style: chr22-32275564-G-T.
Other names: c.3832G>T, p.Ala1278Ser (NM_001136029.4); c.3559G>T, p.Ala1187Ser (NM_001242897.2); c.3793G>T, p.Ala1265Ser (NM_001363852.2, NM_001364320.2); c.3625G>T, p.Ala1209Ser (NM_001363854.2, NM_001364319.2); c.3859G>T, p.Ala1287Ser (NM_001364318.2); c.3775G>T, p.Ala1259Ser (NM_001369901.1, NM_001369902.1); c.3766G>T, p.Ala1256Ser (NM_001369903.1, NM_014662.6); short protein forms A1187S, A1287S, A1265S, A1259S, A1209S, A1256S, A1278S.
Identifiers: ClinVar variation 575149 (VCV000575149.10), dbSNP rs867268278, ClinGen allele CA323340861.